The following is an entry in ClinVar:

ClinVar aggregate classification (germline): Uncertain significance (1 of 4 stars; one submission).

Conditions:
Early-infantile DEE. Also called: Early infantile epileptic encephalopathy; Ohtahara syndrome; Early infantile epileptic encephalopathy with suppression bursts. Identifiers: Orphanet 1934, MedGen C0393706, MONDO:0800491.

Allele frequency attached by ClinVar (database versions not stated): gnomAD 0.00001.

Submission:

Labcorp Genetics (formerly Invitae), Labcorp
Classification: Uncertain significance for Early-infantile DEE. Last evaluated: 2026-02-03. Review status: criteria provided, single submitter. Criteria: Invitae Variant Classification Sherloc (09022015). Collection method: clinical testing. Allele origin: germline.
Comment: This sequence change falls in intron 20 of the SCN1A gene. It does not directly change the encoded amino acid sequence of the SCN1A protein. However, this sequence change falls within a region encompassing a cryptic exon in the SCN1A gene, in which variants have been shown to alter splicing (PMID: 30526861, 34107977). This variant is not present in population databases (gnomAD no frequency). This variant has not been reported in the literature in individuals affected with SCN1A-related conditions. ClinVar contains an entry for this variant (Variation ID: 1914572). Algorithms developed to predict the effect of sequence changes on RNA splicing suggest that this variant is not likely to affect RNA splicing. In summary, the available evidence is currently insufficient to determine the role of this variant in disease. Therefore, it has been classified as a Variant of Uncertain Significance.

Literature cited by the submitters: PubMed 30526861; PubMed 34107977.

NM_001165963.4(SCN1A):c.4002+2634G>A

Genes: SCN1A (sodium voltage-gated channel alpha subunit 1; minus strand), LOC102724058 (uncharacterized LOC102724058; plus strand). Cytogenetic location: 2q24.3.
Variant type: single nucleotide variant.
Coding change: c.4002+2634G>A on transcript NM_001165963.4 (MANE Select); 2634 bases into the intron after coding-DNA position 4002, G replaced by A.
Molecular consequence: intron variant.
Genome position (GRCh38, 1-based): chr2:166,007,085, C>T on the plus strand (G>A on the coding strand, the complement: SCN1A is on the minus strand). VCF-style: chr2-166007085-C-T. GRCh37 (hg19) VCF-style: chr2-166863595-C-T.
Other names: c.3969+2634G>A (NM_001353949.2, NM_001353950.2, NM_001353951.2 and 2 more transcripts); c.3918+2634G>A (NM_001353958.2, NM_001353957.2, NM_001165964.3); c.4002+2634G>A (NM_001202435.3, NM_001353948.2); c.3966+2634G>A (NM_001353955.2, NM_001353954.2); c.3915+2634G>A (NM_001353960.2); c.1560+2634G>A (NM_001353961.2).
Identifiers: ClinVar variation 1914572 (VCV001914572.5), dbSNP rs914837883, ClinGen allele CA59771491.